The following is an entry in ClinVar:

ClinVar aggregate classification (germline): Uncertain significance (1 of 4 stars; one submission).

Conditions:
SOS2-related disorder. Also called: SOS2-related condition.

Submission:

PreventionGenetics, part of Exact Sciences
Classification: Uncertain significance for SOS2-related condition. Last evaluated: 2023-02-19. Review status: criteria provided, single submitter. Criteria: ACMG Guidelines, 2015. Collection method: clinical testing. Allele origin: germline.
Comment: The SOS2 c.3489+3A>G variant is predicted to interfere with splicing. This variant is predicted to weaken but not abolish the canonical splice donor site based on available splicing prediction programs (Alamut Visual Plus v1.6.1). However, such computer prediction programs are imperfect. To our knowledge, this variant has not been reported in the literature or in a large population database, indicating this variant is rare. At this time, the clinical significance of this variant is uncertain due to the absence of conclusive functional and genetic evidence.

NM_006939.4(SOS2):c.3489+3A>G

Gene: SOS2 (SOS Ras/Rho guanine nucleotide exchange factor 2; minus strand). Cytogenetic location: 14q21.3.
Variant type: single nucleotide variant.
Coding change: c.3489+3A>G on transcript NM_006939.4 (MANE Select); 3 bases into the intron after coding-DNA position 3489, A replaced by G.
Molecular consequence: intron variant.
Genome position (GRCh38, 1-based): chr14:50,120,272, T>C on the plus strand (A>G on the coding strand, the complement: SOS2 is on the minus strand). VCF-style: chr14-50120272-T-C. GRCh37 (hg19) VCF-style: chr14-50586990-T-C.
Other names: c.3390+3A>G (NM_001411020.1).
Identifiers: ClinVar variation 2630528 (VCV002630528.1), dbSNP rs2502768008, ClinGen allele CA2624768822.
Genomic context (GRCh38, chr14:50,120,272, plus strand): 5'-CACTAGGCATTATTTTGAAGATTCACAACTTTGAATAAGTTGGAGTAAAGTCCTGTTGAT[T>C]ACCTTGGAATTTGAAGCATCATGATCAAACTTTTTTCGAGGAGGAAGAGGAGGAGGAATC-3'